The following is an entry in ClinVar:

NM_022489.4(INF2):c.2519C>T (p.Ala840Val)

Gene: INF2 (inverted formin 2; plus strand). Cytogenetic location: 14q32.33.
Variant type: single nucleotide variant.
Coding change: c.2519C>T on transcript NM_022489.4 (MANE Select); coding-DNA position 2519, C replaced by T.
Protein change: p.Ala840Val; replaces alanine 840 with valine.
Molecular consequence: missense variant.
Genome position (GRCh38, 1-based): chr14:104,712,462, C>T. VCF-style: chr14-104712462-C-T. GRCh37 (hg19) VCF-style: chr14-105178799-C-T.
Other names: c.2519C>T, p.Ala840Val (NM_001031714.4); short protein forms A840V.
Identifiers: ClinVar variation 1792496 (VCV001792496.2), dbSNP rs758659283, ClinGen allele CA7372971.

ClinVar aggregate classification (germline): Uncertain significance (1 of 4 stars; one submission).

Conditions:
Inborn genetic diseases. Identifiers: MedGen C0950123, MeSH D030342.

Allele frequency attached by ClinVar (database versions not stated): ExAC 0.00001; gnomAD 0.00001; TOPMed 0.00002.
gnomAD v4.1: 3 of 1,612,544 alleles (0.00019%); highest among the groups gnomAD compares: African/African-American, 0.004%; no homozygotes.

Submission:

Ambry Genetics
Classification: Uncertain significance for Inborn genetic diseases. Last evaluated: 2019-11-21. Review status: criteria provided, single submitter. Criteria: Ambry Variant Classification Scheme 2023. Collection method: clinical testing. Allele origin: germline.
Comment: The p.A840V variant (also known as c.2519C>T), located in coding exon 16 of the INF2 gene, results from a C to T substitution at nucleotide position 2519. The alanine at codon 840 is replaced by valine, an amino acid with similar properties. This amino acid position is poorly conserved in available vertebrate species. In addition, this alteration is predicted to be tolerated by in silico analysis. Since supporting evidence is limited at this time, the clinical significance of this alteration remains unclear.